The following is an entry in ClinVar:

NM_002585.4(PBX1):c.227C>T (p.Ala76Val)

Gene: PBX1 (PBX homeobox 1; plus strand). Cytogenetic location: 1q23.3.
Variant type: single nucleotide variant.
Coding change: c.227C>T on transcript NM_002585.4 (MANE Select); coding-DNA position 227, C replaced by T.
Protein change: p.Ala76Val; replaces alanine 76 with valine.
Molecular consequence: missense variant. On other transcripts: intron variant (1).
Genome position (GRCh38, 1-based): chr1:164,563,273, C>T. VCF-style: chr1-164563273-C-T. GRCh37 (hg19) VCF-style: chr1-164532510-C-T.
Other names: c.227C>T, p.Ala76Val (NM_001204961.2, NM_001204963.2, NM_001353131.2); c.16+3260C>T (NM_001353130.1); short protein forms A76V.
Identifiers: ClinVar variation 3393572 (VCV003393572.1).

ClinVar aggregate classification (germline): Uncertain significance (1 of 4 stars; one submission).

Submission:

GeneDx
Classification: Uncertain significance. Last evaluated: 2024-07-03. Review status: criteria provided, single submitter. Criteria: GeneDx Variant Classification Process June 2021. Collection method: clinical testing. Allele origin: germline. Affected: yes.
Comment: Not observed at significant frequency in large population cohorts (gnomAD); In silico analysis supports that this missense variant has a deleterious effect on protein structure/function; Has not been previously published as pathogenic or benign to our knowledge